The following is an entry in ClinVar:

NM_017636.4(TRPM4):c.3073G>A (p.Val1025Ile)

Gene: TRPM4 (transient receptor potential cation channel subfamily M member 4; plus strand). Cytogenetic location: 19q13.33.
Variant type: single nucleotide variant.
Coding change: c.3073G>A on transcript NM_017636.4 (MANE Select); coding-DNA position 3073, G replaced by A.
Protein change: p.Val1025Ile; replaces valine 1025 with isoleucine.
Molecular consequence: missense variant.
Genome position (GRCh38, 1-based): chr19:49,202,083, G>A. VCF-style: chr19-49202083-G-A. GRCh37 (hg19) VCF-style: chr19-49705340-G-A.
Other names: c.2638G>A, p.Val880Ile (NM_001195227.2); c.2728G>A, p.Val910Ile (NM_001321281.2); c.1465G>A, p.Val489Ile (NM_001321282.2); c.2551G>A, p.Val851Ile (NM_001321283.2); c.2011G>A, p.Val671Ile (NM_001321285.2); short protein forms V1025I, V489I, V671I, V851I, V880I, V910I.
Identifiers: ClinVar variation 409632 (VCV000409632.10), dbSNP rs186822052, ClinGen allele CA9569763.
Genomic context (GRCh38, chr19:49,202,083, plus strand): 5'-GGGGCCCAGGCGGGCACCTGCGTCTCCCAGTATGCCAACTGGCTGGTGGTGCTGCTCCTC[G>A]TCATCTTCCTGCTCGTGGCCAACATCCTGCTGGTCAACTTGCTCATTGCCATGTTCAGGT-3'
Protein context (NP_060106.2, residues 1015-1035): YANWLVVLLL[Val1025Ile]IFLLVANILL

ClinVar aggregate classification (germline): Conflicting classifications of pathogenicity. Review status: criteria provided, conflicting classifications (1 of 4 stars). 3 submissions from 3 submitters: Uncertain significance (1); Likely benign (2). Last evaluated 2025-12-21.

Conditions:
Cardiovascular phenotype. Identifiers: MedGen CN230736.
Progressive familial heart block type IB (PFHB1B). Identifiers: Orphanet 871, MedGen C1970298, MONDO:0011474, OMIM 604559.

Allele frequency attached by ClinVar (database versions not stated): ESP Exome Variant Server 0.00008; TOPMed 0.00010; gnomAD 0.00012.
gnomAD v4.1: 35 of 1,613,914 alleles (0.0022%); highest among the groups gnomAD compares: African/African-American, 0.021%; 1 homozygote.

Submissions (3):

Labcorp Genetics (formerly Invitae), Labcorp
Classification: Uncertain significance for Progressive familial heart block type IB. Last evaluated: 2025-12-21. Review status: criteria provided, single submitter. Criteria: Invitae Variant Classification Sherloc (09022015). Collection method: clinical testing. Allele origin: germline.
Comment: This sequence change replaces valine, which is neutral and non-polar, with isoleucine, which is neutral and non-polar, at codon 1025 of the TRPM4 protein (p.Val1025Ile). This variant is present in population databases (rs186822052, gnomAD 0.02%), including at least one homozygous and/or hemizygous individual. This variant has not been reported in the literature in individuals affected with TRPM4-related conditions. ClinVar contains an entry for this variant (Variation ID: 409632). An algorithm developed to predict the effect of missense changes on protein structure and function outputs the following: PolyPhen-2: "Benign". The isoleucine amino acid residue is found in multiple mammalian species, which suggests that this missense change does not adversely affect protein function. In summary, the available evidence is currently insufficient to determine the role of this variant in disease. Therefore, it has been classified as a Variant of Uncertain Significance.

Ambry Genetics
Classification: Likely benign for Cardiovascular phenotype. Last evaluated: 2018-03-30. Review status: criteria provided, single submitter. Criteria: Ambry Variant Classification Scheme 2023. Collection method: clinical testing. Allele origin: germline.

GeneDx
Classification: Likely benign. Last evaluated: 2017-11-01. Review status: criteria provided, single submitter. Criteria: GeneDx Variant Classification (06012015). Collection method: clinical testing. Allele origin: germline. Affected: yes.
Comment: This variant is considered likely benign or benign based on one or more of the following criteria: it is a conservative change, it occurs at a poorly conserved position in the protein, it is predicted to be benign by multiple in silico algorithms, and/or has population frequency not consistent with disease.